The following is an entry in ClinVar:

NM_138694.4(PKHD1):c.5792del (p.Thr1931fs)

Gene: PKHD1 (PKHD1 ciliary IPT domain containing fibrocystin/polyductin; minus strand). Cytogenetic location: 6p12.2.
Variant type: Deletion.
Coding change: c.5792del on transcript NM_138694.4 (MANE Select); coding-DNA position 5792, one base deleted (C; older notation c.5792delC).
Protein change: p.Thr1931fs; shifts the reading frame from threonine 1931.
Molecular consequence: frameshift variant.
Genome position (GRCh38, 1-based): chr6:51,959,986, G deleted on the plus strand (C on the coding strand, the reverse complement: PKHD1 is on the minus strand). VCF-style (leftmost placement, unchanged base first): chr6-51959985-AG-A. GRCh37 (hg19) VCF-style: chr6-51824783-AG-A.
Other names: c.5792del, p.Thr1931fs (NM_170724.3); short protein forms T1931fs.
Identifiers: ClinVar variation 1724902 (VCV001724902.2), dbSNP rs2537381213, ClinGen allele CA2580075465.

ClinVar aggregate classification (germline): Likely pathogenic (1 of 4 stars; one submission).

Conditions:
Polycystic kidney disease 4 (PKD4). Also called: POLYCYSTIC KIDNEY AND HEPATIC DISEASE 1; POLYCYSTIC KIDNEY DISEASE, INFANTILE, TYPE I; POLYCYSTIC KIDNEY DISEASE 4 WITH OR WITHOUT POLYCYSTIC LIVER DISEASE; PKD3; Autosomal Recessive Polycystic Kidney Disease – PKHD1. Identifiers: MedGen C4540575, MONDO:0033004, OMIM 263200.

Submission:

Myriad Genetics, Inc.
Classification: Likely pathogenic for Polycystic kidney disease 4. Last evaluated: 2022-03-02. Review status: criteria provided, single submitter. Criteria: Myriad Women's Health Autosomal Recessive and X-Linked Classification Criteria (2021). Collection method: clinical testing. Allele origin: unknown.
Comment: NM_138694.3(PKHD1):c.5792delC(T1931Ifs*43) is expected to be pathogenic in the context of autosomal recessive polycystic kidney disease, PKHD1-related. This variant is predicted to lead to an abnormal or absent protein product due to the creation of a premature termination codon in PKHD1, a gene where loss-of-function variants are known to be pathogenic. Please note: this variant was assessed in the context of healthy population screening.